The following is an entry in ClinVar:

ClinVar aggregate classification (germline): Uncertain significance (1 of 4 stars; one submission).

Allele frequency attached by ClinVar (database versions not stated): gnomAD exomes below 0.00001 and 0.00001.
gnomAD v4.1: 2 of 1,211,641 alleles (0.00017%); highest among the groups gnomAD compares: Non-Finnish European, 0.00022%; no homozygotes.

Submission:

Labcorp Genetics (formerly Invitae), Labcorp
Classification: Uncertain significance. Last evaluated: 2022-07-19. Review status: criteria provided, single submitter. Criteria: Invitae Variant Classification Sherloc (09022015). Collection method: clinical testing. Allele origin: germline.
Comment: In summary, the available evidence is currently insufficient to determine the role of this variant in disease. Therefore, it has been classified as a Variant of Uncertain Significance. Algorithms developed to predict the effect of missense changes on protein structure and function output the following: SIFT: "Tolerated"; PolyPhen-2: "Benign"; Align-GVGD: "Class C0". The arginine amino acid residue is found in multiple mammalian species, which suggests that this missense change does not adversely affect protein function. ClinVar contains an entry for this variant (Variation ID: 1502928). This variant has not been reported in the literature in individuals affected with NEXMIF-related conditions. This variant is present in population databases (no rsID available, gnomAD 0.001%), including at least one homozygous and/or hemizygous individual. This sequence change replaces glycine, which is neutral and non-polar, with arginine, which is basic and polar, at codon 766 of the NEXMIF protein (p.Gly766Arg).

NM_001008537.3(NEXMIF):c.2296G>A (p.Gly766Arg)

Gene: NEXMIF (neurite extension and migration factor; minus strand). Cytogenetic location: Xq13.3.
Variant type: single nucleotide variant.
Coding change: c.2296G>A on transcript NM_001008537.3 (MANE Select); coding-DNA position 2296, G replaced by A.
Protein change: p.Gly766Arg; replaces glycine 766 with arginine.
Molecular consequence: missense variant.
Genome position (GRCh38, 1-based): chrX:74,742,261, C>T on the plus strand (G>A on the coding strand, the complement: NEXMIF is on the minus strand). VCF-style: chrX-74742261-C-T. GRCh37 (hg19) VCF-style: chrX-73962096-C-T.
Other names: short protein forms G766R.
Identifiers: ClinVar variation 1502928 (VCV001502928.6), dbSNP rs1382088239, ClinGen allele CA413668529.
Genomic context (GRCh38, chrX:74,742,261, plus strand): 5'-TGGAACTCTTAGCAGCCTTTGCCTCATGAAATTCAGATAGACGGGAACTGTTTGATGTCC[C>T]AGGAATAACTTCATTCTTTAAATTAGCCTTTGAGGATTGGTTTTCCAAGAGAGGGCTCAT-3'
Protein context (NP_001008537.1, residues 756-776): KANLKNEVIP[Gly766Arg]TSNSSRLSEF